The following is an entry in ClinVar:

ClinVar aggregate classification (germline): Uncertain significance (1 of 4 stars; one submission).

gnomAD v4.1: 4 of 1,613,904 alleles (0.00025%); highest among the groups gnomAD compares: Non-Finnish European, 0.00034%; no homozygotes.

Submission:

Labcorp Genetics (formerly Invitae), Labcorp
Classification: Uncertain significance. Last evaluated: 2024-05-31. Review status: criteria provided, single submitter. Criteria: Invitae Variant Classification Sherloc (09022015). Collection method: clinical testing. Allele origin: germline.
Comment: This sequence change replaces valine, which is neutral and non-polar, with alanine, which is neutral and non-polar, at codon 394 of the SLCO5A1 protein (p.Val394Ala). This variant is present in population databases (no rsID available, gnomAD 0.0009%). This variant has not been reported in the literature in individuals affected with SLCO5A1-related conditions. An algorithm developed to predict the effect of missense changes on protein structure and function (PolyPhen-2) suggests that this variant is likely to be tolerated. In summary, the available evidence is currently insufficient to determine the role of this variant in disease. Therefore, it has been classified as a Variant of Uncertain Significance.

NM_030958.3(SLCO5A1):c.1181T>C (p.Val394Ala)

Gene: SLCO5A1 (solute carrier organic anion transporter family member 5A1; minus strand). Cytogenetic location: 8q13.3.
Variant type: single nucleotide variant.
Coding change: c.1181T>C on transcript NM_030958.3 (MANE Select); coding-DNA position 1181, T replaced by C.
Protein change: p.Val394Ala; replaces valine 394 with alanine.
Molecular consequence: missense variant.
Genome position (GRCh38, 1-based): chr8:69,755,501, A>G on the plus strand (T>C on the coding strand, the complement: SLCO5A1 is on the minus strand). VCF-style: chr8-69755501-A-G. GRCh37 (hg19) VCF-style: chr8-70667736-A-G.
Other names: c.1181T>C, p.Val394Ala (NM_001146008.2, NM_001146009.1); short protein forms V394A.
Identifiers: ClinVar variation 3695390 (VCV003695390.2).